The following is an entry in ClinVar:

ClinVar aggregate classification (germline): Uncertain significance (1 of 4 stars; one submission).

Conditions:
46,XY sex reversal 9 (SRXY9). Also called: 46,XY SEX REVERSAL, ZFPM2-RELATED. Identifiers: Orphanet 251510, MedGen C4015129, MONDO:0014480, OMIM 616067.

Allele frequency attached by ClinVar (database versions not stated): gnomAD 0.00001; TOPMed 0.00001.
gnomAD v4.1: 2 of 1,613,790 alleles (0.00012%); highest among the groups gnomAD compares: African/African-American, 0.0027%; no homozygotes.

Submission:

Labcorp Genetics (formerly Invitae), Labcorp
Classification: Uncertain significance for 46,XY sex reversal 9. Last evaluated: 2022-12-31. Review status: criteria provided, single submitter. Criteria: Invitae Variant Classification Sherloc (09022015). Collection method: clinical testing. Allele origin: germline.
Comment: This sequence change replaces lysine, which is basic and polar, with asparagine, which is neutral and polar, at codon 471 of the ZFPM2 protein (p.Lys471Asn). This variant is present in population databases (no rsID available, gnomAD 0.02%). This variant has not been reported in the literature in individuals affected with ZFPM2-related conditions. Algorithms developed to predict the effect of missense changes on protein structure and function are either unavailable or do not agree on the potential impact of this missense change (SIFT: "Deleterious"; PolyPhen-2: "Probably Damaging"; Align-GVGD: "Class C0"). In summary, the available evidence is currently insufficient to determine the role of this variant in disease. Therefore, it has been classified as a Variant of Uncertain Significance.

NM_012082.4(ZFPM2):c.1413G>C (p.Lys471Asn)

Genes: ZFPM2 (zinc finger protein, FOG family member 2; plus strand), ZFPM2-AS1 (ZFPM2 antisense RNA 1; minus strand). Cytogenetic location: 8q23.1.
Variant type: single nucleotide variant.
Coding change: c.1413G>C on transcript NM_012082.4 (MANE Select); coding-DNA position 1413, G replaced by C.
Protein change: p.Lys471Asn; replaces lysine 471 with asparagine.
Molecular consequence: missense variant.
Genome position (GRCh38, 1-based): chr8:105,801,495, G>C. VCF-style: chr8-105801495-G-C. GRCh37 (hg19) VCF-style: chr8-106813723-G-C.
Other names: c.1254G>C, p.Lys418Asn (NM_001362836.2); c.1017G>C, p.Lys339Asn (NM_001362837.2); short protein forms K339N, K418N, K471N.
Identifiers: ClinVar variation 2913638 (VCV002913638.3), dbSNP rs1436382829, ClinGen allele CA371950523.